The following is an entry in ClinVar:

NM_001267550.2(TTN):c.89889T>C (p.Ser29963=)

Genes: TTN (titin; minus strand), TTN-AS1 (TTN antisense RNA 1; plus strand). Cytogenetic location: 2q31.2.
Variant type: single nucleotide variant.
Coding change: c.89889T>C on transcript NM_001267550.2 (MANE Select); coding-DNA position 89889, T replaced by C.
Protein change: p.Ser29963=; no amino-acid change (serine 29963 retained).
Molecular consequence: synonymous variant.
Genome position (GRCh38, 1-based): chr2:178,553,011, A>G on the plus strand (T>C on the coding strand, the complement: TTN is on the minus strand). VCF-style: chr2-178553011-A-G. GRCh37 (hg19) VCF-style: chr2-179417738-A-G.
Other names: c.84966T>C, p.Ser28322= (NM_001256850.1); c.62694T>C, p.Ser20898= (NM_003319.4); c.82185T>C, p.Ser27395= (NM_133378.4); c.63069T>C, p.Ser21023= (NM_133432.3); c.63270T>C, p.Ser21090= (NM_133437.4).
Identifiers: ClinVar variation 1752527 (VCV001752527.16), dbSNP rs2469310741, ClinGen allele CA430245622.

ClinVar aggregate classification (germline): Likely benign. Review status: criteria provided, multiple submitters, no conflicts (2 of 4 stars). 2 submissions from 2 submitters: Likely benign (2). Last evaluated 2026-08-01.

Conditions:
Cardiovascular phenotype. Identifiers: MedGen CN230736.

Submissions (2):

CeGaT Center for Human Genetics Tuebingen
Classification: Likely benign. Last evaluated: 2026-08-01. Review status: criteria provided, single submitter. Criteria: CeGaT Center For Human Genetics Tuebingen Variant Classification Criteria Version 2. Collection method: clinical testing. Allele origin: germline. Affected: yes. Observed: 3 variant alleles.
Comment: TTN: PM2:Supporting, BP4, BP7

Ambry Genetics
Classification: Likely benign for Cardiovascular phenotype. Last evaluated: 2019-10-26. Review status: criteria provided, single submitter. Criteria: Ambry Variant Classification Scheme 2023. Collection method: clinical testing. Allele origin: germline.